The following is an entry in ClinVar:

NM_172364.5(CACNA2D4):c.2374G>T (p.Val792Leu)

Gene: CACNA2D4 (calcium voltage-gated channel auxiliary subunit alpha2delta 4; minus strand). Cytogenetic location: 12p13.33.
Variant type: single nucleotide variant.
Coding change: c.2374G>T on transcript NM_172364.5 (MANE Select); coding-DNA position 2374, G replaced by T.
Protein change: p.Val792Leu; replaces valine 792 with leucine.
Molecular consequence: missense variant.
Genome position (GRCh38, 1-based): chr12:1,844,498, C>A on the plus strand (G>T on the coding strand, the complement: CACNA2D4 is on the minus strand). VCF-style: chr12-1844498-C-A. GRCh37 (hg19) VCF-style: chr12-1953664-C-A.
Other names: short protein forms V792L.
Identifiers: ClinVar variation 3670562 (VCV003670562.2).
Genomic context (GRCh38, chr12:1,844,498, plus strand): 5'-TGCCAGCAGGATGCTCTGAGGCCTGGCGGTACCACAGCGGGAAGCGGTCCAGGGTGAACA[C>A]GCTGGCCTCGTCCTCAGGTGTCAGGAACTTCCTGCAAGGAGGAAGATGTGGTACCTCTCC-3'
Protein context (NP_758952.4, residues 782-802): KFLTPEDEAS[Val792Leu]FTLDRFPLWY

ClinVar aggregate classification (germline): Uncertain significance (1 of 4 stars; one submission).

gnomAD v4.1: 2 of 1,613,390 alleles (0.00012%); highest among the groups gnomAD compares: Non-Finnish European, 0.00017%; no homozygotes.

Submission:

Labcorp Genetics (formerly Invitae), Labcorp
Classification: Uncertain significance. Last evaluated: 2025-01-30. Review status: criteria provided, single submitter. Criteria: Invitae Variant Classification Sherloc (09022015). Collection method: clinical testing. Allele origin: germline.
Comment: This sequence change replaces valine, which is neutral and non-polar, with leucine, which is neutral and non-polar, at codon 792 of the CACNA2D4 protein (p.Val792Leu). This variant is not present in population databases (gnomAD no frequency). This variant has not been reported in the literature in individuals affected with CACNA2D4-related conditions. An algorithm developed to predict the effect of missense changes on protein structure and function outputs the following: PolyPhen-2: "Benign". The leucine amino acid residue is found in multiple mammalian species, which suggests that this missense change does not adversely affect protein function. In summary, the available evidence is currently insufficient to determine the role of this variant in disease. Therefore, it has been classified as a Variant of Uncertain Significance.